The following is an entry in ClinVar:

NM_002381.5(MATN3):c.10C>T (p.Pro4Ser)

Gene: MATN3 (matrilin 3; minus strand). Cytogenetic location: 2p24.1.
Variant type: single nucleotide variant.
Coding change: c.10C>T on transcript NM_002381.5 (MANE Select); coding-DNA position 10, C replaced by T.
Protein change: p.Pro4Ser; replaces proline 4 with serine.
Molecular consequence: missense variant.
Genome position (GRCh38, 1-based): chr2:20,012,622, G>A on the plus strand (C>T on the coding strand, the complement: MATN3 is on the minus strand). VCF-style: chr2-20012622-G-A. GRCh37 (hg19) VCF-style: chr2-20212383-G-A.
Other names: short protein forms P4S.
Identifiers: ClinVar variation 2119086 (VCV002119086.4), dbSNP rs2527712944, ClinGen allele CA345951961.

ClinVar aggregate classification (germline): Uncertain significance (1 of 4 stars; one submission).

Submission:

Labcorp Genetics (formerly Invitae), Labcorp
Classification: Uncertain significance. Last evaluated: 2022-04-25. Review status: criteria provided, single submitter. Criteria: Invitae Variant Classification Sherloc (09022015). Collection method: clinical testing. Allele origin: germline.
Comment: In summary, the available evidence is currently insufficient to determine the role of this variant in disease. Therefore, it has been classified as a Variant of Uncertain Significance. Algorithms developed to predict the effect of missense changes on protein structure and function output the following: SIFT: "Tolerated"; PolyPhen-2: "Not Available"; Align-GVGD: "Class C0". The serine amino acid residue is found in multiple mammalian species, which suggests that this missense change does not adversely affect protein function. This variant has not been reported in the literature in individuals affected with MATN3-related conditions. This sequence change replaces proline, which is neutral and non-polar, with serine, which is neutral and polar, at codon 4 of the MATN3 protein (p.Pro4Ser). This variant is not present in population databases (gnomAD no frequency).